The following is an entry in ClinVar:

NM_172362.3(KCNH1):c.1034G>T (p.Gly345Val)

Gene: KCNH1 (potassium voltage-gated channel subfamily H member 1; minus strand). Cytogenetic location: 1q32.2.
Variant type: single nucleotide variant.
Coding change: c.1034G>T on transcript NM_172362.3 (MANE Select); coding-DNA position 1034, G replaced by T.
Protein change: p.Gly345Val; replaces glycine 345 with valine.
Molecular consequence: missense variant.
Genome position (GRCh38, 1-based): chr1:210,920,068, C>A on the plus strand (G>T on the coding strand, the complement: KCNH1 is on the minus strand). VCF-style: chr1-210920068-C-A. GRCh37 (hg19) VCF-style: chr1-211093410-C-A.
Other names: c.953G>T, p.Gly318Val (NM_002238.4); short protein forms G345V, G318V.
Identifiers: ClinVar variation 3727301 (VCV003727301.2).

ClinVar aggregate classification (germline): Uncertain significance (1 of 4 stars; one submission).

Submission:

Labcorp Genetics (formerly Invitae), Labcorp
Classification: Uncertain significance. Last evaluated: 2024-12-15. Review status: criteria provided, single submitter. Criteria: Invitae Variant Classification Sherloc (09022015). Collection method: clinical testing. Allele origin: germline.
Comment: This sequence change replaces glycine, which is neutral and non-polar, with valine, which is neutral and non-polar, at codon 345 of the KCNH1 protein (p.Gly345Val). This variant is not present in population databases (gnomAD no frequency). This variant has not been reported in the literature in individuals affected with KCNH1-related conditions. An algorithm developed to predict the effect of missense changes on protein structure and function (PolyPhen-2) suggests that this variant is likely to be disruptive. In summary, the available evidence is currently insufficient to determine the role of this variant in disease. Therefore, it has been classified as a Variant of Uncertain Significance.